The following is an entry in ClinVar:

ClinVar aggregate classification (germline): Pathogenic. Review status: criteria provided, multiple submitters, no conflicts (2 of 4 stars). 3 submissions from 3 submitters: Pathogenic (2). 1 of the submissions does not count toward it. Last evaluated 2024-12-26.

Conditions:
Curry-Hall syndrome (WAD). Also called: WEYERS ACRODENTAL DYSOSTOSIS. Identifiers: Orphanet 952, MedGen C0457013, MONDO:0008673, OMIM 193530.
Ellis-van Creveld syndrome (EVC). Also called: EVC2-Related Ellis-van Creveld Syndrome; EVC-Related Ellis-van Creveld Syndrome; MESOECTODERMAL DYSPLASIA; Chondroectodermal dysplasia. Identifiers: Orphanet 289, MedGen C0013903, MONDO:0009162, OMIM 225500.

Submissions (3):

Natera, Inc.
Classification: Pathogenic for Ellis-van Creveld syndrome. Last evaluated: 2024-12-26. Review status: criteria provided, single submitter. Criteria: Natera Variant Classification Schema (03/2026). Collection method: clinical testing. Allele origin: germline.
Comment: The c.2782+1delG variant in EVC is a canonical splice donor site variant predicted to affect pre-mRNA splicing, which may result in an abnormal transcript and altered protein product. This variant is expected to result in nonsense mediated decay, truncation, or a dysfunctional protein product. This variant is rare in the general population with a frequency below the threshold expected for the associated phenotype(s). Another variant at this same site results in an alteration predicted to cause a similar molecular effect has been observed in individual(s) with the associated phenotype. Given the available evidence, this variant is classified as Pathogenic.

Labcorp Genetics (formerly Invitae), Labcorp
Classification: Pathogenic for Curry-Hall syndrome; Ellis-van Creveld syndrome. Last evaluated: 2023-11-10. Review status: criteria provided, single submitter. Criteria: Invitae Variant Classification Sherloc (09022015). Collection method: clinical testing. Allele origin: germline.
Comment: This sequence change creates a premature translational stop signal (Splice site) in the EVC gene. It is expected to result in an absent or disrupted protein product. Loss-of-function variants in EVC are known to be pathogenic (PMID: 23220543). This variant is present in population databases (no rsID available, gnomAD 0.003%). This variant has not been reported in the literature in individuals affected with EVC-related conditions. ClinVar contains an entry for this variant (Variation ID: 557670). Algorithms developed to predict the effect of sequence changes on RNA splicing suggest that this variant may disrupt the consensus splice site. For these reasons, this variant has been classified as Pathogenic.

Counsyl
Classification: Likely pathogenic for Ellis-van Creveld syndrome. Last evaluated: 2018-04-05. Review status: no assertion criteria provided. Collection method: clinical testing. Allele origin: unknown. Not counted in ClinVar's aggregate classification.

Literature cited by the submitters: PubMed 23220543 (cited by Labcorp Genetics (formerly Invitae), Labcorp).

NM_153717.3(EVC):c.2782+1del

Gene: EVC (EvC ciliary complex subunit 1; plus strand). Cytogenetic location: 4p16.2.
Variant type: Deletion.
Coding change: c.2782+1del on transcript NM_153717.3 (MANE Select); the canonical splice donor site of the intron after coding-DNA position 2782, one base deleted (G; older notation c.2782+1delG).
Molecular consequence: splice donor variant.
Genome position (GRCh38, 1-based): chr4:5,809,612, G deleted; the last of 2 consecutive G bases (chr4:5,809,611-5,809,612); deleting either gives the same sequence. VCF-style (leftmost placement, unchanged base first): chr4-5809610-AG-A. GRCh37 (hg19) VCF-style: chr4-5811337-AG-A.
Other names: c.2782+1del (NM_001306090.2); c.2782+1delG (NM_153717.2).
Identifiers: ClinVar variation 557670 (VCV000557670.11), dbSNP rs1169539647, ClinGen allele CA549408602.